The following is an entry in ClinVar:

NM_032119.4(ADGRV1):c.14179G>A (p.Glu4727Lys)

Gene: ADGRV1 (adhesion G protein-coupled receptor V1; plus strand). Cytogenetic location: 5q14.3.
Variant type: single nucleotide variant.
Coding change: c.14179G>A on transcript NM_032119.4 (MANE Select); coding-DNA position 14179, G replaced by A.
Protein change: p.Glu4727Lys; replaces glutamic acid 4727 with lysine.
Molecular consequence: missense variant. On other transcripts: non-coding transcript variant (1).
Genome position (GRCh38, 1-based): chr5:90,791,008, G>A. VCF-style: chr5-90791008-G-A. GRCh37 (hg19) VCF-style: chr5-90086825-G-A.
Other names: short protein forms E4727K.
Identifiers: ClinVar variation 965063 (VCV000965063.8), dbSNP rs1760007995, ClinGen allele CA360400309.

ClinVar aggregate classification (germline): Uncertain significance. Review status: criteria provided, multiple submitters, no conflicts (2 of 4 stars). 2 submissions from 2 submitters: Uncertain significance (2). Last evaluated 2022-09-13.

gnomAD v4.1: 11 of 1,613,940 alleles (0.00068%); highest among the groups gnomAD compares: South Asian, 0.012%; no homozygotes.

Submissions (2):

Blueprint Genetics
Classification: Uncertain significance. Last evaluated: 2022-09-13. Review status: criteria provided, single submitter. Criteria: ACMG Guidelines, 2015. Collection method: clinical testing. Allele origin: germline.

Labcorp Genetics (formerly Invitae), Labcorp
Classification: Uncertain significance. Last evaluated: 2022-02-03. Review status: criteria provided, single submitter. Criteria: Invitae Variant Classification Sherloc (09022015). Collection method: clinical testing. Allele origin: germline.
Comment: This sequence change replaces glutamic acid, which is acidic and polar, with lysine, which is basic and polar, at codon 4727 of the ADGRV1 protein (p.Glu4727Lys). This variant is not present in population databases (gnomAD no frequency). This variant has not been reported in the literature in individuals affected with ADGRV1-related conditions. ClinVar contains an entry for this variant (Variation ID: 965063). Algorithms developed to predict the effect of missense changes on protein structure and function are either unavailable or do not agree on the potential impact of this missense change (SIFT: "Deleterious"; PolyPhen-2: "Possibly Damaging"; Align-GVGD: "Class C0"). In summary, the available evidence is currently insufficient to determine the role of this variant in disease. Therefore, it has been classified as a Variant of Uncertain Significance.